The following is an entry in ClinVar:

ClinVar aggregate classification (germline): Uncertain significance (1 of 4 stars; one submission).

Conditions:
Neuroblastoma, susceptibility to, 3. Also called: ALK-Related Neuroblastic Tumor Susceptibility. Identifiers: Orphanet 635, MedGen C2751681, MONDO:0013083, OMIM 613014.

Allele frequency attached by ClinVar (database versions not stated): 1000 Genomes Project 0.00020; 1000 Genomes Project 30x 0.00031.
gnomAD v4.1: 1 of 1,614,014 alleles (0.000062%); highest among the groups gnomAD compares: East Asian, 0.0022%; no homozygotes.

Submission:

Labcorp Genetics (formerly Invitae), Labcorp
Classification: Uncertain significance for Neuroblastoma, susceptibility to, 3. Last evaluated: 2022-01-11. Review status: criteria provided, single submitter. Criteria: Invitae Variant Classification Sherloc (09022015). Collection method: clinical testing. Allele origin: germline.
Comment: This sequence change replaces arginine, which is basic and polar, with leucine, which is neutral and non-polar, at codon 753 of the ALK protein (p.Arg753Leu). This variant is not present in population databases (gnomAD no frequency). This variant has not been reported in the literature in individuals affected with ALK-related conditions. Algorithms developed to predict the effect of missense changes on protein structure and function (SIFT, PolyPhen-2, Align-GVGD) all suggest that this variant is likely to be disruptive. In summary, the available evidence is currently insufficient to determine the role of this variant in disease. Therefore, it has been classified as a Variant of Uncertain Significance.

NM_004304.5(ALK):c.2258G>T (p.Arg753Leu)

Gene: ALK (ALK receptor tyrosine kinase; minus strand). Cytogenetic location: 2p23.2.
Variant type: single nucleotide variant.
Coding change: c.2258G>T on transcript NM_004304.5 (MANE Select); coding-DNA position 2258, G replaced by T.
Protein change: p.Arg753Leu; replaces arginine 753 with leucine.
Molecular consequence: missense variant.
Genome position (GRCh38, 1-based): chr2:29,239,777, C>A on the plus strand (G>T on the coding strand, the complement: ALK is on the minus strand). VCF-style: chr2-29239777-C-A. GRCh37 (hg19) VCF-style: chr2-29462643-C-A.
Other names: short protein forms R753L.
Identifiers: ClinVar variation 2080469 (VCV002080469.4), dbSNP rs187200776, ClinGen allele CA44642982.